The following is an entry in ClinVar:

ClinVar aggregate classification (germline): Likely benign. Review status: criteria provided, single submitter (1 of 4 stars). 2 submissions from 2 submitters: Likely benign (1). 1 of the submissions does not count toward it. Last evaluated 2024-11-19.

Conditions:
RAB28-related disorder. Also called: RAB28-related condition.

Allele frequency attached by ClinVar (database versions not stated): ExAC 0.00010; gnomAD exomes 0.00019; gnomAD 0.00025; TOPMed 0.00033; 1000 Genomes Project 30x 0.00125; 1000 Genomes Project 0.00140.
gnomAD v4.1: 312 of 1,547,302 alleles (0.02%); highest among the groups gnomAD compares: East Asian, 0.64%; 1 homozygote.

Submissions (2):

Blueprint Genetics
Classification: Likely benign. Last evaluated: 2024-11-19. Review status: criteria provided, single submitter. Criteria: ACMG Guidelines, 2015. Collection method: clinical testing. Allele origin: germline.

PreventionGenetics, part of Exact Sciences
Classification: Benign for RAB28-related condition. Last evaluated: 2019-10-28. Review status: no assertion criteria provided. Collection method: clinical testing. Allele origin: germline. Not counted in ClinVar's aggregate classification.
Comment: This variant is classified as benign based on ACMG/AMP sequence variant interpretation guidelines (Richards et al. 2015 PMID: 25741868, with internal and published modifications).

NM_001017979.3(RAB28):c.574-3173G>A

Gene: RAB28 (RAB28, member RAS oncogene family; minus strand). Cytogenetic location: 4p15.33.
Variant type: single nucleotide variant.
Coding change: c.574-3173G>A on transcript NM_001017979.3 (MANE Select); 3173 bases into the intron before coding-DNA position 574, G replaced by A.
Molecular consequence: intron variant. On other transcripts: 3 prime UTR variant (1).
Genome position (GRCh38, 1-based): chr4:13,371,823, C>T on the plus strand (G>A on the coding strand, the complement: RAB28 is on the minus strand). VCF-style: chr4-13371823-C-T. GRCh37 (hg19) VCF-style: chr4-13373447-C-T.
Other names: c.*3G>A (NM_001159601.2); c.574-1858G>A (NM_004249.4).
Identifiers: ClinVar variation 3035465 (VCV003035465.3), dbSNP rs527991078, ClinGen allele CA2860019.